The following is an entry in ClinVar:

NM_004145.4(MYO9B):c.5286C>T (p.Phe1762=)

Gene: MYO9B (myosin IXB; plus strand). Cytogenetic location: 19p13.11.
Variant type: single nucleotide variant.
Coding change: c.5286C>T on transcript NM_004145.4 (MANE Select); coding-DNA position 5286, C replaced by T.
Protein change: p.Phe1762=; no amino-acid change (phenylalanine 1762 retained).
Molecular consequence: synonymous variant.
Genome position (GRCh38, 1-based): chr19:17,206,276, C>T. VCF-style: chr19-17206276-C-T. GRCh37 (hg19) VCF-style: chr19-17317085-C-T.
Other names: c.5286C>T, p.Phe1762= (NM_001130065.2).
Identifiers: ClinVar variation 3037565 (VCV003037565.2), dbSNP rs1267773453, ClinGen allele CA506093371.

ClinVar aggregate classification (germline): Likely benign (0 of 4 stars; one submission).

Conditions:
MYO9B-related disorder. Also called: MYO9B-related condition.

Allele frequency attached by ClinVar (database versions not stated): gnomAD exomes below 0.00001; gnomAD 0.00001.
gnomAD v4.1: 4 of 1,470,852 alleles (0.00027%); highest among the groups gnomAD compares: Non-Finnish European, 0.00036%; no homozygotes.

Submission:

PreventionGenetics, part of Exact Sciences
Classification: Likely benign for MYO9B-related condition. Last evaluated: 2019-05-01. Review status: no assertion criteria provided. Collection method: clinical testing. Allele origin: germline.
Comment: This variant is classified as likely benign based on ACMG/AMP sequence variant interpretation guidelines (Richards et al. 2015 PMID: 25741868, with internal and published modifications).